The following is an entry in ClinVar:

NM_015346.4(ZFYVE26):c.5387A>C (p.Glu1796Ala)

Gene: ZFYVE26 (zinc finger FYVE-type containing 26; minus strand). Cytogenetic location: 14q24.1.
Variant type: single nucleotide variant.
Coding change: c.5387A>C on transcript NM_015346.4 (MANE Select); coding-DNA position 5387, A replaced by C.
Protein change: p.Glu1796Ala; replaces glutamic acid 1796 with alanine.
Molecular consequence: missense variant.
Genome position (GRCh38, 1-based): chr14:67,772,144, T>G on the plus strand (A>C on the coding strand, the complement: ZFYVE26 is on the minus strand). VCF-style: chr14-67772144-T-G. GRCh37 (hg19) VCF-style: chr14-68238861-T-G.
Other names: c.5387A>C (NM_015346.3); short protein forms E1796A.
Identifiers: ClinVar variation 2183546 (VCV002183546.4), dbSNP rs770993666, ClinGen allele CA7239513.

ClinVar aggregate classification (germline): Uncertain significance. Review status: criteria provided, multiple submitters, no conflicts (2 of 4 stars). 3 submissions from 3 submitters: Uncertain significance (3). Last evaluated 2025-07-10.

Conditions:
Inborn genetic diseases. Identifiers: MedGen C0950123, MeSH D030342.
Spastic paraplegia. Identifiers: MedGen C0037772, HP:0001258.

Allele frequency attached by ClinVar (database versions not stated): ExAC 0.00001; gnomAD 0.00001; TOPMed 0.00002.
gnomAD v4.1: 7 of 1,613,106 alleles (0.00043%); highest among the groups gnomAD compares: Admixed American, 0.01%; no homozygotes.

Submissions (3):

GeneDx
Classification: Uncertain significance. Last evaluated: 2025-07-10. Review status: criteria provided, single submitter. Criteria: GeneDx Variant Classification Process June 2021. Collection method: clinical testing. Allele origin: germline. Affected: yes.
Comment: Not observed at significant frequency in large population cohorts (gnomAD); In silico analysis indicates that this missense variant does not alter protein structure/function; Has not been previously published as pathogenic or benign to our knowledge

Ambry Genetics
Classification: Uncertain significance for Inborn genetic diseases. Last evaluated: 2024-09-30. Review status: criteria provided, single submitter. Criteria: Ambry Variant Classification Scheme 2023. Collection method: clinical testing. Allele origin: germline.

Labcorp Genetics (formerly Invitae), Labcorp
Classification: Uncertain significance for Spastic paraplegia. Last evaluated: 2022-08-23. Review status: criteria provided, single submitter. Criteria: Invitae Variant Classification Sherloc (09022015). Collection method: clinical testing. Allele origin: germline.
Comment: This sequence change replaces glutamic acid, which is acidic and polar, with alanine, which is neutral and non-polar, at codon 1796 of the ZFYVE26 protein (p.Glu1796Ala). This variant is present in population databases (rs770993666, gnomAD 0.01%). This variant has not been reported in the literature in individuals affected with ZFYVE26-related conditions. Algorithms developed to predict the effect of missense changes on protein structure and function are either unavailable or do not agree on the potential impact of this missense change (SIFT: "Tolerated"; PolyPhen-2: "Possibly Damaging"; Align-GVGD: "Class C0"). Algorithms developed to predict the effect of sequence changes on RNA splicing suggest that this variant may disrupt the consensus splice site. In summary, the available evidence is currently insufficient to determine the role of this variant in disease. Therefore, it has been classified as a Variant of Uncertain Significance.